The following is an entry in ClinVar:

ClinVar aggregate classification (germline): Uncertain significance. Review status: criteria provided, multiple submitters, no conflicts (2 of 4 stars). 2 submissions from 2 submitters: Uncertain significance (2). Last evaluated 2025-03-12.

Conditions:
Inborn genetic diseases. Identifiers: MedGen C0950123, MeSH D030342.

Allele frequency attached by ClinVar (database versions not stated): gnomAD 0.00001; gnomAD exomes 0.00001; ExAC 0.00006; TOPMed 0.00002.
gnomAD v4.1: 10 of 1,602,636 alleles (0.00062%); highest among the groups gnomAD compares: Admixed American, 0.014%; no homozygotes.

Submissions (2):

GeneDx
Classification: Uncertain significance. Last evaluated: 2025-03-12. Review status: criteria provided, single submitter. Criteria: GeneDx Variant Classification Process June 2021. Collection method: clinical testing. Allele origin: germline.
Comment: In silico analysis indicates that this missense variant does not alter protein structure/function; Has not been previously published as pathogenic or benign to our knowledge

Ambry Genetics
Classification: Uncertain significance for Inborn genetic diseases. Last evaluated: 2022-08-11. Review status: criteria provided, single submitter. Criteria: Ambry Variant Classification Scheme 2023. Collection method: clinical testing. Allele origin: germline.

NM_032856.5(WDR73):c.1073T>C (p.Leu358Ser)

Gene: WDR73 (WD repeat domain 73; minus strand). Cytogenetic location: 15q25.2.
Variant type: single nucleotide variant.
Coding change: c.1073T>C on transcript NM_032856.5 (MANE Select); coding-DNA position 1073, T replaced by C.
Protein change: p.Leu358Ser; replaces leucine 358 with serine.
Molecular consequence: missense variant. On other transcripts: non-coding transcript variant (4).
Genome position (GRCh38, 1-based): chr15:84,643,534, A>G on the plus strand (T>C on the coding strand, the complement: WDR73 is on the minus strand). VCF-style: chr15-84643534-A-G. GRCh37 (hg19) VCF-style: chr15-85186765-A-G.
Other names: c.1073T>C (NM_032856.3); short protein forms L358S.
Identifiers: ClinVar variation 2218902 (VCV002218902.4), dbSNP rs760797380, ClinGen allele CA7707148.